The following is an entry in ClinVar:

ClinVar aggregate classification (germline): Uncertain significance (3 of 4 stars; one submission).

Conditions:
Glanzmann thrombasthenia. Also called: BLEEDING DISORDER, PLATELET-TYPE, 2; THROMBASTHENIA OF GLANZMANN AND NAEGELI; PLATELET GLYCOPROTEIN IIb-IIIa DEFICIENCY; Glanzmann's thrombasthenia; Thrombasthenia. Identifiers: Orphanet 849, MedGen C0040015, MONDO:0100326.

Allele frequency attached by ClinVar (database versions not stated): gnomAD exomes below 0.00001.
gnomAD v4.1: 2 of 1,599,686 alleles (0.00013%); highest among the groups gnomAD compares: Non-Finnish European, 0.00017%; no homozygotes.

Submission:

ClinGen Platelet Disorders Variant Curation Expert Panel, ClinGen
Classification: Uncertain significance for Glanzmann thrombasthenia. Last evaluated: 2023-08-15. Review status: reviewed by expert panel. Criteria: ClinGen Platelet ACMG Specifications v2-1. Collection method: curation. Allele origin: germline. Inheritance: Autosomal recessive inheritance.
Comment: The NM_000419.5(ITGA2B):c.202G>A (p.Val68Met) missense variant is not currently reported in any individuals in the literature, to the best of our knowledge. It is absent in population databases, including gnomAD v2.1.1 (PM2_supporting) and is predicted damaging by in-silico tools (REVEL score 0.74; PP3). In summary, this variant meets the criteria to be classified as variant of uncertain significance for autosomal recessive Glanzmann Thrombasthenia based on the ACMG/AMP criteria applied, as specified by the ClinGen PD VCEP: PM2_Supporting, PP3 (PD VCEP specifications version 2.1).

NM_000419.5(ITGA2B):c.202G>A (p.Val68Met)

Gene: ITGA2B (integrin subunit alpha 2b; minus strand). Cytogenetic location: 17q21.31.
Variant type: single nucleotide variant.
Coding change: c.202G>A on transcript NM_000419.5 (MANE Select); coding-DNA position 202, G replaced by A.
Protein change: p.Val68Met; replaces valine 68 with methionine.
Molecular consequence: missense variant.
Genome position (GRCh38, 1-based): chr17:44,386,118, C>T on the plus strand (G>A on the coding strand, the complement: ITGA2B is on the minus strand). VCF-style: chr17-44386118-C-T. GRCh37 (hg19) VCF-style: chr17-42463486-C-T.
Other names: short protein forms V68M.
Identifiers: ClinVar variation 953003 (VCV000953003.4), dbSNP rs2048647163, ClinGen allele CA399806517.